The following is an entry in ClinVar:

ClinVar aggregate classification (germline): Uncertain significance (1 of 4 stars; one submission).

Conditions:
GDPD1-related condition.

Submission:

PreventionGenetics, part of Exact Sciences
Classification: Uncertain significance for GDPD1-related condition. Last evaluated: 2024-11-19. Review status: criteria provided, single submitter. Criteria: ACMG Guidelines, 2015. Collection method: clinical testing. Allele origin: germline.
Comment: The GDPD1 c.142+5G>A variant is predicted to interfere with splicing. To our knowledge, this variant has not been reported in the literature. This variant is reported in 0.0054% of alleles in individuals of East Asian descent in gnomAD. At this time, the clinical significance of this variant is uncertain due to the absence of conclusive functional and genetic evidence.

NM_182569.4(GDPD1):c.142+5G>A

Gene: GDPD1 (glycerophosphodiester phosphodiesterase domain containing 1; plus strand). Cytogenetic location: 17q22.
Variant type: single nucleotide variant.
Coding change: c.142+5G>A on transcript NM_182569.4 (MANE Select); 5 bases into the intron after coding-DNA position 142, G replaced by A.
Molecular consequence: intron variant.
Genome position (GRCh38, 1-based): chr17:59,220,756, G>A. VCF-style: chr17-59220756-G-A. GRCh37 (hg19) VCF-style: chr17-57298117-G-A.
Other names: c.142+5G>A (NM_001165993.2, NM_001165994.2).
Identifiers: ClinVar variation 4978165 (VCV004978165.1).